The following is an entry in ClinVar:

ClinVar aggregate classification (germline): Likely benign. Review status: criteria provided, single submitter (1 of 4 stars). 2 submissions from 2 submitters: Likely benign (1). 1 of the submissions does not count toward it. Last evaluated 2024-05-20.

Conditions:
PSEN2-related disorder. Also called: PSEN2-related condition.
Alzheimer disease 4 (AD4). Identifiers: Orphanet 1020, MedGen C1847200, MONDO:0011743, OMIM 606889.

Allele frequency attached by ClinVar (database versions not stated): TOPMed 0.00002.
gnomAD v4.1: 47 of 1,613,956 alleles (0.0029%); highest among the groups gnomAD compares: Middle Eastern, 0.033%; 1 homozygote.

Submissions (2):

Labcorp Genetics (formerly Invitae), Labcorp
Classification: Likely benign for Alzheimer disease 4. Last evaluated: 2024-05-20. Review status: criteria provided, single submitter. Criteria: Invitae Variant Classification Sherloc (09022015). Collection method: clinical testing. Allele origin: germline.

PreventionGenetics, part of Exact Sciences
Classification: Likely benign for PSEN2-related condition. Last evaluated: 2019-06-25. Review status: no assertion criteria provided. Collection method: clinical testing. Allele origin: germline. Not counted in ClinVar's aggregate classification.
Comment: This variant is classified as likely benign based on ACMG/AMP sequence variant interpretation guidelines (Richards et al. 2015 PMID: 25741868, with internal and published modifications).

NM_000447.3(PSEN2):c.1263G>A (p.Thr421=)

Gene: PSEN2 (presenilin 2; plus strand). Cytogenetic location: 1q42.13.
Variant type: single nucleotide variant.
Coding change: c.1263G>A on transcript NM_000447.3 (MANE Select); coding-DNA position 1263, G replaced by A.
Protein change: p.Thr421=; no amino-acid change (threonine 421 retained).
Molecular consequence: synonymous variant.
Genome position (GRCh38, 1-based): chr1:226,895,495, G>A. VCF-style: chr1-226895495-G-A. GRCh37 (hg19) VCF-style: chr1-227083196-G-A.
Other names: c.1260G>A, p.Thr420= (NM_012486.3).
Identifiers: ClinVar variation 3043063 (VCV003043063.4), dbSNP rs766859560, ClinGen allele CA1424859.
Genomic context (GRCh38, chr1:226,895,495, plus strand): 5'-GACCCTCCTGCTGCTTGCTGTGTTCAAGAAGGCGCTGCCCGCCCTCCCCATCTCCATCAC[G>A]TTCGGGCTCATCTTTTACTTCTCCACGGACAACCTGGTGCGGCCGTTCATGGACACCCTG-3'
Protein context (NP_000438.2, residues 411-431): KALPALPISI[Thr421=]FGLIFYFSTD